The following is an entry in ClinVar:

NM_001267550.2(TTN):c.14140G>A (p.Gly4714Ser)

Gene: TTN (titin; minus strand). Cytogenetic location: 2q31.2.
Variant type: single nucleotide variant.
Coding change: c.14140G>A on transcript NM_001267550.2 (MANE Select); coding-DNA position 14140, G replaced by A.
Protein change: p.Gly4714Ser; replaces glycine 4714 with serine.
Molecular consequence: missense variant.
Genome position (GRCh38, 1-based): chr2:178,738,313, C>T on the plus strand (G>A on the coding strand, the complement: TTN is on the minus strand). VCF-style: chr2-178738313-C-T. GRCh37 (hg19) VCF-style: chr2-179603040-C-T.
Other names: c.13189G>A, p.Gly4397Ser (NM_001256850.1); c.13051G>A, p.Gly4351Ser (NM_003319.4); c.10408G>A, p.Gly3470Ser (NM_133378.4); c.13426G>A, p.Gly4476Ser (NM_133432.3); c.13627G>A, p.Gly4543Ser (NM_133437.4); short protein forms G3470S, G4397S, G4476S, G4714S, G4543S, G4351S.
Identifiers: ClinVar variation 1769488 (VCV001769488.16), dbSNP rs757944467, ClinGen allele CA2002460.

ClinVar aggregate classification (germline): Uncertain significance. Review status: criteria provided, multiple submitters, no conflicts (2 of 4 stars). 2 submissions from 2 submitters: Uncertain significance (2). Last evaluated 2024-10-01.

Conditions:
Cardiovascular phenotype. Identifiers: MedGen CN230736.

Allele frequency attached by ClinVar (database versions not stated): gnomAD exomes below 0.00001; ExAC 0.00002.
gnomAD v4.1: 2 of 1,613,406 alleles (0.00012%); highest among the groups gnomAD compares: Non-Finnish European, 0.00017%; no homozygotes.

Submissions (2):

CeGaT Center for Human Genetics Tuebingen
Classification: Uncertain significance. Last evaluated: 2024-10-01. Review status: criteria provided, single submitter. Criteria: CeGaT Center For Human Genetics Tuebingen Variant Classification Criteria Version 2. Collection method: clinical testing. Allele origin: germline. Affected: yes. Observed: 1 variant allele.
Comment: TTN: PM2:Supporting, PM5:Supporting

Ambry Genetics
Classification: Uncertain significance for Cardiovascular phenotype. Last evaluated: 2020-06-18. Review status: criteria provided, single submitter. Criteria: Ambry Variant Classification Scheme 2023. Collection method: clinical testing. Allele origin: germline.
Comment: The p.G4351S variant (also known as c.13051G>A), located in coding exon 45 of the TTN gene, results from a G to A substitution at nucleotide position 13051. The glycine at codon 4351 is replaced by serine, an amino acid with similar properties. This amino acid position is well conserved in available vertebrate species. In addition, the in silico prediction for this alteration is inconclusive. Since supporting evidence is limited at this time, the clinical significance of this alteration remains unclear.